The following is an entry in ClinVar:

ClinVar aggregate classification (germline): Conflicting classifications of pathogenicity. Review status: criteria provided, conflicting classifications (1 of 4 stars). 9 submissions from 9 submitters: Uncertain significance (2); Benign (1); Likely benign (4). 2 of the submissions do not count toward it. Last evaluated 2026-06-01.

Conditions:
Hereditary spastic paraplegia. Also called: Familial spastic paraparesis. Identifiers: Orphanet 685, MedGen C0037773, MONDO:0019064. Disease mechanism: loss of function.
Hereditary spastic paraplegia 39 (SPG39). Also called: Spastic Paraplegia Type 39 (SPG39); SPASTIC PARAPLEGIA 39, AUTOSOMAL RECESSIVE. Identifiers: Orphanet 139480, MedGen C2677586, MONDO:0012787, OMIM 612020.

Allele frequency attached by ClinVar (database versions not stated): gnomAD 0.00006 and 0.00008; TOPMed 0.00006; ESP Exome Variant Server 0.00008; gnomAD exomes 0.00008 and 0.00011; ExAC 0.00012; 1000 Genomes Project 30x 0.00062; 1000 Genomes Project 0.00080.
gnomAD v4.1: 139 of 1,614,222 alleles (0.0086%); highest among the groups gnomAD compares: Middle Eastern, 0.48%; 2 homozygotes.

Submissions (9):

CeGaT Center for Human Genetics Tuebingen
Classification: Likely benign. Last evaluated: 2026-06-01. Review status: criteria provided, single submitter. Criteria: CeGaT Center For Human Genetics Tuebingen Variant Classification Criteria Version 2. Collection method: clinical testing. Allele origin: germline. Affected: yes. Observed: 2 variant alleles.
Comment: PNPLA6: BP4, BP7

Labcorp Genetics (formerly Invitae), Labcorp
Classification: Benign for Hereditary spastic paraplegia 39. Last evaluated: 2025-12-24. Review status: criteria provided, single submitter. Criteria: Invitae Variant Classification Sherloc (09022015). Collection method: clinical testing. Allele origin: germline.

Mayo Clinic Laboratories, Mayo Clinic
Classification: Likely benign. Last evaluated: 2025-11-05. Review status: criteria provided, single submitter. Criteria: ACMG Guidelines, 2015. Collection method: clinical testing. Allele origin: germline. Observed: 1 variant allele.
Comment: BS1, BP4, BP7

Blueprint Genetics
Classification: Likely benign. Last evaluated: 2024-10-30. Review status: criteria provided, single submitter. Criteria: ACMG Guidelines, 2015. Collection method: clinical testing. Allele origin: germline.

Athena Diagnostics
Classification: Likely benign. Last evaluated: 2020-06-02. Review status: criteria provided, single submitter. Criteria: Athena Diagnostics Criteria. Collection method: clinical testing. Allele origin: unknown.

Genome Diagnostics Laboratory, The Hospital for Sick Children
Classification: Uncertain significance for Hereditary spastic paraplegia. Last evaluated: 2019-05-01. Review status: criteria provided, single submitter. Criteria: ACMG Guidelines, 2015. Collection method: clinical testing. Allele origin: germline. Affected: yes.

Illumina Laboratory Services, Illumina
Classification: Uncertain significance for Hereditary spastic paraplegia 39. Last evaluated: 2018-01-12. Review status: criteria provided, single submitter. Criteria: ICSL Variant Classification Criteria 13 December 2019. Collection method: clinical testing. Allele origin: germline.

Clinical Genetics DNA and cytogenetics Diagnostics Lab, Erasmus MC, Erasmus Medical Center
Classification: Likely benign. Review status: no assertion criteria provided. Collection method: clinical testing. Allele origin: germline. Affected: yes. Study: VKGL Data-share Consensus. Not counted in ClinVar's aggregate classification.

Clinical Genetics, Academic Medical Center
Classification: Likely benign. Review status: no assertion criteria provided. Collection method: clinical testing. Allele origin: germline. Affected: yes. Study: VKGL Data-share Consensus. Not counted in ClinVar's aggregate classification.

NM_001166114.2(PNPLA6):c.3549T>C (p.Val1183=)

Gene: PNPLA6 (patatin like domain 6, lysophospholipase; plus strand). Cytogenetic location: 19p13.2.
Variant type: single nucleotide variant.
Coding change: c.3549T>C on transcript NM_001166114.2 (MANE Select); coding-DNA position 3549, T replaced by C.
Protein change: p.Val1183=; no amino-acid change (valine 1183 retained).
Molecular consequence: synonymous variant.
Genome position (GRCh38, 1-based): chr19:7,559,001, T>C. VCF-style: chr19-7559001-T-C. GRCh37 (hg19) VCF-style: chr19-7623887-T-C.
Other names: p.Val1145=; c.3579T>C, p.Val1193= (NM_001166111.2); c.3354T>C, p.Val1118= (NM_001166112.2); c.3435T>C, p.Val1145= (NM_001166113.1, NM_006702.5).
Identifiers: ClinVar variation 330536 (VCV000330536.54), dbSNP rs35770729, ClinGen allele CA9140508.